The following is an entry in ClinVar:

NM_001966.4(EHHADH):c.984G>A (p.Ser328=)

Gene: EHHADH (enoyl-CoA hydratase and 3-hydroxyacyl CoA dehydrogenase; minus strand). Cytogenetic location: 3q27.2.
Variant type: single nucleotide variant.
Coding change: c.984G>A on transcript NM_001966.4 (MANE Select); coding-DNA position 984, G replaced by A.
Protein change: p.Ser328=; no amino-acid change (serine 328 retained).
Molecular consequence: synonymous variant.
Genome position (GRCh38, 1-based): chr3:185,193,414, C>T on the plus strand (G>A on the coding strand, the complement: EHHADH is on the minus strand). VCF-style: chr3-185193414-C-T. GRCh37 (hg19) VCF-style: chr3-184911202-C-T.
Other names: c.696G>A, p.Ser232= (NM_001166415.2).
Identifiers: ClinVar variation 3036943 (VCV003036943.2), dbSNP rs372621913, ClinGen allele CA2739064.

ClinVar aggregate classification (germline): Likely benign (0 of 4 stars; one submission).

Conditions:
EHHADH-related disorder. Also called: EHHADH-related condition.

gnomAD v4.1: 52 of 1,613,954 alleles (0.0032%); highest among the groups gnomAD compares: Admixed American, 0.0067%; no homozygotes.

Submission:

PreventionGenetics, part of Exact Sciences
Classification: Likely benign for EHHADH-related condition. Last evaluated: 2022-05-19. Review status: no assertion criteria provided. Collection method: clinical testing. Allele origin: germline.
Comment: This variant is classified as likely benign based on ACMG/AMP sequence variant interpretation guidelines (Richards et al. 2015 PMID: 25741868, with internal and published modifications).